The following is an entry in ClinVar:

NM_001278064.2(GRM1):c.3521C>T (p.Pro1174Leu)

Gene: GRM1 (glutamate metabotropic receptor 1; plus strand). Cytogenetic location: 6q24.3.
Variant type: single nucleotide variant.
Coding change: c.3521C>T on transcript NM_001278064.2 (MANE Select); coding-DNA position 3521, C replaced by T.
Protein change: p.Pro1174Leu; replaces proline 1174 with leucine.
Molecular consequence: missense variant. On other transcripts: 3 prime UTR variant (3).
Genome position (GRCh38, 1-based): chr6:146,434,732, C>T. VCF-style: chr6-146434732-C-T. GRCh37 (hg19) VCF-style: chr6-146755868-C-T.
Other names: c.*885C>T (NM_001278065.2); c.*850C>T (NM_001278066.1); c.*759C>T (NM_001278067.1); short protein forms P1174L.
Identifiers: ClinVar variation 3614757 (VCV003614757.2).
Genomic context (GRCh38, chr6:146,434,732, plus strand): 5'-CGGTGGCCTCGGGCAGCTCGGTGCCCAGCTCCCCCGTGTCCGAGTCGGTGCTCTGCACCC[C>T]TCCCAACGTATCCTACGCCTCTGTCATTCTGCGGGACTACAAGCAAAGCTCTTCCACCCT-3'
Protein context (NP_001264993.1, residues 1164-1184): SPVSESVLCT[Pro1174Leu]PNVSYASVIL

ClinVar aggregate classification (germline): Uncertain significance (1 of 4 stars; one submission).

gnomAD v4.1: 29 of 1,600,926 alleles (0.0018%); highest among the groups gnomAD compares: Non-Finnish European, 0.0022%; no homozygotes.

Submission:

Labcorp Genetics (formerly Invitae), Labcorp
Classification: Uncertain significance. Last evaluated: 2024-05-02. Review status: criteria provided, single submitter. Criteria: Invitae Variant Classification Sherloc (09022015). Collection method: clinical testing. Allele origin: germline.
Comment: This sequence change replaces proline, which is neutral and non-polar, with leucine, which is neutral and non-polar, at codon 1174 of the GRM1 protein (p.Pro1174Leu). This variant is present in population databases (rs781049400, gnomAD 0.002%). This variant has not been reported in the literature in individuals affected with GRM1-related conditions. An algorithm developed to predict the effect of missense changes on protein structure and function (PolyPhen-2) suggests that this variant is likely to be disruptive. In summary, the available evidence is currently insufficient to determine the role of this variant in disease. Therefore, it has been classified as a Variant of Uncertain Significance.